The following is an entry in ClinVar:

ClinVar aggregate classification (germline): Uncertain significance. Review status: criteria provided, multiple submitters, no conflicts (2 of 4 stars). 3 submissions from 3 submitters: Uncertain significance (3). Last evaluated 2026-02-13.

Conditions:
Wilms tumor 1 (WT1). Also called: Wilms tumor, somatic. Identifiers: Orphanet 654, MedGen CN033288, MONDO:0008679, OMIM 194070.
Inborn genetic diseases. Identifiers: MedGen C0950123, MeSH D030342.

Allele frequency attached by ClinVar (database versions not stated): ESP Exome Variant Server 0.00008; 1000 Genomes Project 30x 0.00016; 1000 Genomes Project 0.00020.

Submissions (3):

Ambry Genetics
Classification: Uncertain significance for Inborn genetic diseases. Last evaluated: 2026-02-13. Review status: criteria provided, single submitter. Criteria: Ambry Variant Classification Scheme 2023. Collection method: clinical testing. Allele origin: germline.
Comment: The p.A193S variant (also known as c.577G>T), located in coding exon 1 of the WT1 gene, results from a G to T substitution at nucleotide position 577. The alanine at codon 193 is replaced by serine, an amino acid with similar properties. This amino acid position is not well conserved in available vertebrate species. In addition, this alteration is predicted to be tolerated by in silico analysis. Based on the available evidence, the clinical significance of this variant remains unclear.

GeneDx
Classification: Uncertain significance. Last evaluated: 2024-04-03. Review status: criteria provided, single submitter. Criteria: GeneDx Variant Classification Process June 2021. Collection method: clinical testing. Allele origin: germline. Affected: yes.
Comment: Not observed at significant frequency in large population cohorts (gnomAD); In silico analysis supports that this missense variant does not alter protein structure/function; Has not been previously published as pathogenic or benign to our knowledge; This variant is associated with the following publications: (PMID: 8486616)

All of Us Research Program, National Institutes of Health
Classification: Uncertain significance for Wilms tumor 1. Last evaluated: 2023-08-15. Review status: criteria provided, single submitter. Criteria: ACMG Guidelines, 2015. Collection method: clinical testing. Allele origin: germline. Inheritance: Autosomal dominant inheritance. Observed: 1 variant allele, 1 heterozygote.
Comment: This missense variant replaces alanine with serine at codon 193 of the WT1 protein. This variant is also known as c.592G>A (p.Ala198Ser) based on alternative transcripts, ENST00000452863 and NM_024426.6. Computational prediction suggests that this variant may not impact protein structure and function (internally defined REVEL score threshold <= 0.5, PMID: 27666373). To our knowledge, functional studies have not been reported for this variant. This variant has not been reported in individuals affected with WT1-related disorders in the literature. This variant has been identified in 3/245026 chromosomes in the general population by the Genome Aggregation Database (gnomAD). The available evidence is insufficient to determine the role of this variant in disease conclusively. Therefore, this variant is classified as a Variant of Uncertain Significance.

This study involves interpretation of variants in research participants for the purpose of population health screening. Participant phenotype was not available at the time of variant classification. Additional details can be found in publication PMID: 35346344, PMCID: PMC8962531

NM_024426.6(WT1):c.592G>T (p.Ala198Ser)

Genes: WT1 (WT1 transcription factor; minus strand), LOC107982234 (WT1/WT1-AS bi-directional promoter region; plus strand). Cytogenetic location: 11p13.
Variant type: single nucleotide variant.
Coding change: c.592G>T on transcript NM_024426.6 (MANE Select); coding-DNA position 592, G replaced by T.
Protein change: p.Ala198Ser; replaces alanine 198 with serine.
Molecular consequence: missense variant. On other transcripts: non-coding transcript variant (2).
Genome position (GRCh38, 1-based): chr11:32,434,769, C>A on the plus strand (G>T on the coding strand, the complement: WT1 is on the minus strand). VCF-style: chr11-32434769-C-A. GRCh37 (hg19) VCF-style: chr11-32456315-C-A.
Other names: c.592G>T, p.Ala198Ser (NM_001407050.1, NM_024424.5, NM_000378.6 and 6 more transcripts); c.373G>T, p.Ala125Ser (NM_001429031.1, NM_001429032.1, NM_001429033.1 and 1 more transcripts); c.577G>T, p.Ala193Ser (NM_024425.2); c.577G>T (NM_024426.4); short protein forms A125S, A193S, A198S.
Identifiers: ClinVar variation 3073006 (VCV003073006.3), dbSNP rs377072761, ClinGen allele CA065086.
Genomic context (GRCh38, chr11:32,434,769, plus strand): 5'-GAATAGCGGGCTGGCTCTCGAGGCAGCTGGGCAGGTAGGGCGCGTTAGGAAACATCCTGG[C>A]CTGGCCGGATGACGCCTGGCTGGGCGGAGGAGGACCGAAGGGCCCGTAGCGACAGGCTCC-3'
Protein context (NP_077744.4, residues 188-208): PPPSQASSGQ[Ala198Ser]RMFPNAPYLP